The following is an entry in ClinVar:

ClinVar aggregate classification (germline): Pathogenic (1 of 4 stars; one submission).

Submission:

Labcorp Genetics (formerly Invitae), Labcorp
Classification: Pathogenic. Last evaluated: 2023-03-08. Review status: criteria provided, single submitter. Criteria: Invitae Variant Classification Sherloc (09022015). Collection method: clinical testing. Allele origin: germline.
Comment: This sequence change creates a premature translational stop signal (p.Gly1484*) in the COL4A3 gene. It is expected to result in an absent or disrupted protein product. Loss-of-function variants in COL4A3 are known to be pathogenic (PMID: 8956999, 24854265, 26809805, 27281700). This variant is not present in population databases (gnomAD no frequency). This variant has not been reported in the literature in individuals affected with COL4A3-related conditions. Algorithms developed to predict the effect of sequence changes on RNA splicing suggest that this variant may disrupt the consensus splice site. For these reasons, this variant has been classified as Pathogenic.

Literature cited by the submitters: PubMed 8956999; PubMed 24854265; PubMed 26809805; PubMed 27281700.

NM_000091.5(COL4A3):c.4450G>T (p.Gly1484Ter)

Genes: COL4A3 (collagen type IV alpha 3 chain; plus strand), MFF-DT (MFF divergent transcript; minus strand). Cytogenetic location: 2q36.3.
Variant type: single nucleotide variant.
Coding change: c.4450G>T on transcript NM_000091.5 (MANE Select); coding-DNA position 4450, G replaced by T.
Protein change: p.Gly1484Ter; replaces glycine 1484 with a stop codon.
Molecular consequence: nonsense.
Genome position (GRCh38, 1-based): chr2:227,307,907, G>T. VCF-style: chr2-227307907-G-T. GRCh37 (hg19) VCF-style: chr2-228172623-G-T.
Other names: short protein forms G1484*.
Identifiers: ClinVar variation 2843813 (VCV002843813.3), dbSNP rs976882559, ClinGen allele CA350864511.
Genomic context (GRCh38, chr2:227,307,907, plus strand): 5'-ACAGTGCCACTCTACAGTGGGTTTTCTTTTCTTTTTGTACAAGGAAATCAACGAGCCCAC[G>T]GACAAGACCTTGGTAATGTCCCAGTCCCAGTTGCCAGTTGTGCTGTTCCACATGCAGATT-3'